The following is an entry in ClinVar:

NM_004961.4(GABRE):c.343-5A>G

Gene: GABRE (gamma-aminobutyric acid type A receptor subunit epsilon; minus strand). Cytogenetic location: Xq28.
Variant type: single nucleotide variant.
Coding change: c.343-5A>G on transcript NM_004961.4 (MANE Select); 5 bases into the intron before coding-DNA position 343, A replaced by G.
Molecular consequence: intron variant.
Genome position (GRCh38, 1-based): chrX:151,962,648, T>C on the plus strand (A>G on the coding strand, the complement: GABRE is on the minus strand). VCF-style: chrX-151962648-T-C. GRCh37 (hg19) VCF-style: chrX-151131120-T-C.
Identifiers: ClinVar variation 2661662 (VCV002661662.24), dbSNP rs199628001, ClinGen allele CA10542624.
Genomic context (GRCh38, chrX:151,962,648, plus strand): 5'-TAACAGAGGCGTTCGTCGTACCAGGTCTGGGAGAAGATGATGTCAATGGTGTATTCCTGG[T>C]GGGAAGGACAGAAAAGCACATACTTGGGGATGAACAGAAAAAGGACATTCACATGCAAAC-3'

ClinVar aggregate classification (germline): Likely benign (1 of 4 stars; one submission).

Allele frequency attached by ClinVar (database versions not stated): ExAC 0.00019; 1000 Genomes Project 30x 0.00021; 1000 Genomes Project 0.00026; gnomAD 0.00027; ESP Exome Variant Server 0.00028; TOPMed 0.00029; gnomAD exomes 0.00056.

Submission:

CeGaT Center for Human Genetics Tuebingen
Classification: Likely benign. Last evaluated: 2022-09-01. Review status: criteria provided, single submitter. Criteria: CeGaT Center For Human Genetics Tuebingen Variant Classification Criteria Version 2. Collection method: clinical testing. Allele origin: germline. Affected: yes. Observed: 1 variant allele.
Comment: GABRE: BP4, BS2